The following is an entry in ClinVar:

ClinVar aggregate classification (germline): Likely benign. Review status: criteria provided, multiple submitters, no conflicts (2 of 4 stars). 2 submissions from 2 submitters: Likely benign (2). Last evaluated 2025-10-01.

Conditions:
Fanconi anemia complementation group E (FANCE). Also called: FANCE-Related Fanconi Anemia. Identifiers: Orphanet 84, MedGen C3160739, MONDO:0010953, OMIM 600901.

Allele frequency attached by ClinVar (database versions not stated): gnomAD 0.00001; TOPMed 0.00001; gnomAD exomes 0.00003 and 0.00005; ExAC 0.00005.
gnomAD v4.1: 19 of 1,614,106 alleles (0.0012%); highest among the groups gnomAD compares: Admixed American, 0.028%; no homozygotes.

Submissions (2):

CeGaT Center for Human Genetics Tuebingen
Classification: Likely benign. Last evaluated: 2025-10-01. Review status: criteria provided, single submitter. Criteria: CeGaT Center For Human Genetics Tuebingen Variant Classification Criteria Version 2. Collection method: clinical testing. Allele origin: germline. Affected: yes. Observed: 1 variant allele.
Comment: FANCE: BP4, BP7

Labcorp Genetics (formerly Invitae), Labcorp
Classification: Likely benign for Fanconi anemia complementation group E. Last evaluated: 2025-08-09. Review status: criteria provided, single submitter. Criteria: Invitae Variant Classification Sherloc (09022015). Collection method: clinical testing. Allele origin: germline.

NM_021922.3(FANCE):c.1221C>T (p.Leu407=)

Gene: FANCE (FA complementation group E; plus strand). Cytogenetic location: 6p21.31.
Variant type: single nucleotide variant.
Coding change: c.1221C>T on transcript NM_021922.3 (MANE Select); coding-DNA position 1221, C replaced by T.
Protein change: p.Leu407=; no amino-acid change (leucine 407 retained).
Molecular consequence: synonymous variant.
Genome position (GRCh38, 1-based): chr6:35,459,438, C>T. VCF-style: chr6-35459438-C-T. GRCh37 (hg19) VCF-style: chr6-35427215-C-T.
Identifiers: ClinVar variation 700751 (VCV000700751.16), dbSNP rs752130850, ClinGen allele CA3771628.